The following is an entry in ClinVar:

NM_201384.3(PLEC):c.5862C>T (p.Asn1954=)

Gene: PLEC (plectin; minus strand). Cytogenetic location: 8q24.3.
Variant type: single nucleotide variant.
Coding change: c.5862C>T on transcript NM_201384.3 (MANE Select); coding-DNA position 5862, C replaced by T.
Protein change: p.Asn1954=; no amino-acid change (asparagine 1954 retained).
Molecular consequence: synonymous variant.
Genome position (GRCh38, 1-based): chr8:143,924,067, G>A on the plus strand (C>T on the coding strand, the complement: PLEC is on the minus strand). VCF-style: chr8-143924067-G-A. GRCh37 (hg19) VCF-style: chr8-144998235-G-A.
Other names: c.5943C>T, p.Asn1981= (NM_000445.5); c.5820C>T, p.Asn1940= (NM_201378.4); c.5796C>T, p.Asn1932= (NM_201379.3); c.6273C>T, p.Asn2091= (NM_201380.4); c.5766C>T, p.Asn1922= (NM_201381.3); c.5862C>T, p.Asn1954= (NM_201382.4); c.5874C>T, p.Asn1958= (NM_201383.3).
Identifiers: ClinVar variation 390318 (VCV000390318.15), dbSNP rs550994317, ClinGen allele CA4926210.

ClinVar aggregate classification (germline): Conflicting classifications of pathogenicity. Review status: criteria provided, conflicting classifications (1 of 4 stars). 4 submissions from 4 submitters: Uncertain significance (1); Likely benign (3). Last evaluated 2026-08-01.

Conditions:
Epidermolysis bullosa simplex, Ogna type (EBS5A). Also called: Pidermolysis bullosa simplex 5A, Ogna type; EPIDERMOLYSIS BULLOSA SIMPLEX 5A, OGNA TYPE. Identifiers: Orphanet 79401, MedGen C0432317, MONDO:0007555, OMIM 131950.
Epidermolysis bullosa simplex 5C, with pyloric atresia (EBS5C). Also called: PLEC-Related Epidermolysis Bullosa with Pyloric Atresia; Epidermolysis bullosa simplex with pyloric atresia; PLEC1-Related Epidermolysis Bullosa with Pyloric Atresia. Identifiers: Orphanet 158684, MedGen C2677349, MONDO:0012807, OMIM 612138.
Epidermolysis bullosa simplex 5B, with muscular dystrophy (EBS5B). Also called: Epidermolysis bullosa simplex with muscular dystrophy; EPIDERMOLYSIS BULLOSA SIMPLEX AND LIMB-GIRDLE MUSCULAR DYSTROPHY. Identifiers: Orphanet 257, MedGen C2931072, MONDO:0009181, OMIM 226670.
Epidermolysis bullosa simplex with nail dystrophy (EBS5D). Identifiers: MedGen C4225309, MONDO:0014661, OMIM 616487.
Autosomal recessive limb-girdle muscular dystrophy type 2Q (LGMDR17). Also called: MUSCULAR DYSTROPHY, LIMB-GIRDLE, AUTOSOMAL RECESSIVE 17. Identifiers: Orphanet 254361, MedGen C3150989, MONDO:0013390, OMIM 613723.

Allele frequency attached by ClinVar (database versions not stated): gnomAD exomes 0.00004 and 0.00018; ExAC 0.00014; 1000 Genomes Project 30x 0.00016; 1000 Genomes Project 0.00020; gnomAD 0.00041 and 0.00044; TOPMed 0.00053.
gnomAD v4.1: 131 of 1,597,466 alleles (0.0082%); highest among the groups gnomAD compares: Admixed American, 0.082%; 1 homozygote.

Submissions (4):

CeGaT Center for Human Genetics Tuebingen
Classification: Likely benign. Last evaluated: 2026-08-01. Review status: criteria provided, single submitter. Criteria: CeGaT Center For Human Genetics Tuebingen Variant Classification Criteria Version 2. Collection method: clinical testing. Allele origin: germline. Affected: yes. Observed: 1 variant allele.
Comment: PLEC: BP4, BP7

Labcorp Genetics (formerly Invitae), Labcorp
Classification: Likely benign for Autosomal recessive limb-girdle muscular dystrophy type 2Q; Epidermolysis bullosa simplex, Ogna type; Epidermolysis bullosa simplex with nail dystrophy; Epidermolysis bullosa simplex 5C, with pyloric atresia; Epidermolysis bullosa simplex 5B, with muscular dystrophy. Last evaluated: 2025-06-10. Review status: criteria provided, single submitter. Criteria: Invitae Variant Classification Sherloc (09022015). Collection method: clinical testing. Allele origin: germline.

Eurofins Ntd Llc (ga)
Classification: Uncertain significance. Last evaluated: 2018-01-22. Review status: criteria provided, single submitter. Criteria: EGL Classification Definitions 2015. Collection method: clinical testing. Allele origin: germline. Observed: 1 variant allele, 1 heterozygote.

GeneDx
Classification: Likely benign. Last evaluated: 2016-11-04. Review status: criteria provided, single submitter. Criteria: GeneDx Variant Classification (06012015). Collection method: clinical testing. Allele origin: germline. Affected: yes.
Comment: This variant is considered likely benign or benign based on one or more of the following criteria: it is a conservative change, it occurs at a poorly conserved position in the protein, it is predicted to be benign by multiple in silico algorithms, and/or has population frequency not consistent with disease.